The following is an entry in ClinVar:

ClinVar aggregate classification (germline): Pathogenic (1 of 4 stars; one submission).

Submission:

GeneDx
Classification: Pathogenic. Last evaluated: 2021-02-18. Review status: criteria provided, single submitter. Criteria: GeneDx Variant Classification Process June 2021. Collection method: clinical testing. Allele origin: germline. Affected: yes.
Comment: Has not been previously published as pathogenic or benign to our knowledge; Not observed in large population cohorts (Lek et al., 2016); Frameshift variant predicted to result in protein truncation or nonsense mediated decay in a gene for which loss-of-function is a known mechanism of disease

NM_000238.4(KCNH2):c.1800del (p.Ser600fs)

Gene: KCNH2 (potassium voltage-gated channel subfamily H member 2; minus strand). Cytogenetic location: 7q36.1.
Variant type: Deletion.
Coding change: c.1800del on transcript NM_000238.4 (MANE Select); coding-DNA position 1800, one base deleted (C; older notation c.1800delC).
Protein change: p.Ser600fs; shifts the reading frame from serine 600.
Molecular consequence: frameshift variant.
Genome position (GRCh38, 1-based): chr7:150,951,593, G deleted on the plus strand (C on the coding strand, the reverse complement: KCNH2 is on the minus strand). VCF-style (leftmost placement, unchanged base first): chr7-150951592-CG-C. GRCh37 (hg19) VCF-style: chr7-150648680-CG-C.
Other names: c.780del, p.Ser260fs (NM_001204798.2, NM_172057.3); c.1512delC, p.Ser504Argfs (NM_001406753.1, NM_001406756.1); c.1623delC, p.Ser541Argfs (NM_001406755.1); c.1500delC, p.Ser500Argfs (NM_001406757.1); c.1800delC, p.Ser600Argfs (NM_172056.3); short protein forms S260fs, S600fs.
Identifiers: ClinVar variation 1213540 (VCV001213540.5), dbSNP rs2116961210, ClinGen allele CA2499218806.